The following is an entry in ClinVar:

ClinVar aggregate classification (germline): Uncertain significance (1 of 4 stars; one submission).

Conditions:
Cardiovascular phenotype. Identifiers: MedGen CN230736.

Allele frequency attached by ClinVar (database versions not stated): gnomAD exomes below 0.00001; TOPMed below 0.00001.
gnomAD v4.1: 2 of 1,614,092 alleles (0.00012%); highest among the groups gnomAD compares: South Asian, 0.0011%; no homozygotes.

Submission:

Ambry Genetics
Classification: Uncertain significance for Cardiovascular phenotype. Last evaluated: 2019-05-29. Review status: criteria provided, single submitter. Criteria: Ambry Variant Classification Scheme 2023. Collection method: clinical testing. Allele origin: germline.
Comment: The p.N295K variant (also known as c.885T>A), located in coding exon 7 of the TBX5 gene, results from a T to A substitution at nucleotide position 885. The asparagine at codon 295 is replaced by lysine, an amino acid with similar properties. This amino acid position is highly conserved in available vertebrate species. In addition, this alteration is predicted to be tolerated by in silico analysis. Since supporting evidence is limited at this time, the clinical significance of this alteration remains unclear.

NM_181486.4(TBX5):c.885T>A (p.Asn295Lys)

Gene: TBX5 (T-box transcription factor 5; minus strand). Cytogenetic location: 12q24.21.
Variant type: single nucleotide variant.
Coding change: c.885T>A on transcript NM_181486.4 (MANE Select); coding-DNA position 885, T replaced by A.
Protein change: p.Asn295Lys; replaces asparagine 295 with lysine.
Molecular consequence: missense variant.
Genome position (GRCh38, 1-based): chr12:114,366,262, A>T on the plus strand (T>A on the coding strand, the complement: TBX5 is on the minus strand). VCF-style: chr12-114366262-A-T. GRCh37 (hg19) VCF-style: chr12-114804067-A-T.
Other names: c.885T>A, p.Asn295Lys (NM_000192.3); c.735T>A, p.Asn245Lys (NM_080717.4); short protein forms N295K, N245K.
Identifiers: ClinVar variation 1764923 (VCV001764923.2), dbSNP rs1869531878, ClinGen allele CA386926417.